The following is an entry in ClinVar:

ClinVar aggregate classification (germline): Uncertain significance. Review status: criteria provided, multiple submitters, no conflicts (2 of 4 stars). 2 submissions from 2 submitters: Uncertain significance (2). Last evaluated 2025-08-06.

Conditions:
Hereditary cancer-predisposing syndrome. Also called: Neoplastic Syndromes, Hereditary; Tumor predisposition; Hereditary Cancer Syndrome; Hereditary neoplastic syndrome. Identifiers: Orphanet 140162, MedGen C0027672, MeSH D009386, MONDO:0015356.
Gorlin syndrome. Also called: Nevoid Basal Cell Carcinoma Syndrome; Basal cell nevus syndrome. Identifiers: Orphanet 377, MedGen C0004779, MONDO:0007187.
Medulloblastoma (MDB). Also called: MEDULLOBLASTOMA PREDISPOSITION SYNDROME; Medulloblastoma, somatic. Identifiers: Orphanet 616, MedGen C0025149, MeSH D008527, MONDO:0007959, OMIM 155255, HP:0002885.

Submissions (2):

Labcorp Genetics (formerly Invitae), Labcorp
Classification: Uncertain significance for Gorlin syndrome; Medulloblastoma. Last evaluated: 2025-08-06. Review status: criteria provided, single submitter. Criteria: Invitae Variant Classification Sherloc (09022015). Collection method: clinical testing. Allele origin: germline.
Comment: This sequence change replaces glutamine, which is neutral and polar, with arginine, which is basic and polar, at codon 150 of the SUFU protein (p.Gln150Arg). This variant is not present in population databases (gnomAD no frequency). This variant has not been reported in the literature in individuals affected with SUFU-related conditions. Invitae Evidence Modeling of protein sequence and biophysical properties (such as structural, functional, and spatial information, amino acid conservation, physicochemical variation, residue mobility, and thermodynamic stability) indicates that this missense variant is not expected to disrupt SUFU protein function with a negative predictive value of 80%. In summary, the available evidence is currently insufficient to determine the role of this variant in disease. Therefore, it has been classified as a Variant of Uncertain Significance.

Ambry Genetics
Classification: Uncertain significance for Hereditary cancer-predisposing syndrome. Last evaluated: 2025-06-21. Review status: criteria provided, single submitter. Criteria: Ambry Variant Classification Scheme 2023. Collection method: clinical testing. Allele origin: germline.
Comment: The p.Q150R variant (also known as c.449A>G), located in coding exon 3 of the SUFU gene, results from an A to G substitution at nucleotide position 449. The glutamine at codon 150 is replaced by arginine, an amino acid with highly similar properties. This amino acid position is conserved. In addition, this alteration is predicted to be deleterious by in silico analysis. Based on the available evidence, the clinical significance of this variant remains unclear.

NM_016169.4(SUFU):c.449A>G (p.Gln150Arg)

Gene: SUFU (SUFU negative regulator of hedgehog signaling; plus strand). Cytogenetic location: 10q24.32.
Variant type: single nucleotide variant.
Coding change: c.449A>G on transcript NM_016169.4 (MANE Select); coding-DNA position 449, A replaced by G.
Protein change: p.Gln150Arg; replaces glutamine 150 with arginine.
Molecular consequence: missense variant.
Genome position (GRCh38, 1-based): chr10:102,550,101, A>G. VCF-style: chr10-102550101-A-G. GRCh37 (hg19) VCF-style: chr10-104309858-A-G.
Other names: c.449A>G, p.Gln150Arg (NM_001178133.2); short protein forms Q150R.
Identifiers: ClinVar variation 4177527 (VCV004177527.2).